The following is an entry in ClinVar:

NM_014956.5(CEP164):c.241C>T (p.Gln81Ter)

Gene: CEP164 (centrosomal protein 164; plus strand). Cytogenetic location: 11q23.3.
Variant type: single nucleotide variant.
Coding change: c.241C>T on transcript NM_014956.5 (MANE Select); coding-DNA position 241, C replaced by T.
Protein change: p.Gln81Ter; replaces glutamine 81 with a stop codon.
Molecular consequence: nonsense.
Genome position (GRCh38, 1-based): chr11:117,351,836, C>T. VCF-style: chr11-117351836-C-T. GRCh37 (hg19) VCF-style: chr11-117222552-C-T.
Other names: c.241C>T, p.Gln81Ter (NM_001271933.2); short protein forms Q81*.
Identifiers: ClinVar variation 2015819 (VCV002015819.4), dbSNP rs2540654534, ClinGen allele CA382725651.

ClinVar aggregate classification (germline): Pathogenic (1 of 4 stars; one submission).

Conditions:
Nephronophthisis 15 (NPHP15). Identifiers: Orphanet 3156, MedGen C3541853, MONDO:0013917, OMIM 614845.

Submission:

Labcorp Genetics (formerly Invitae), Labcorp
Classification: Pathogenic for Nephronophthisis 15. Last evaluated: 2022-07-14. Review status: criteria provided, single submitter. Criteria: Invitae Variant Classification Sherloc (09022015). Collection method: clinical testing. Allele origin: germline.
Comment: For these reasons, this variant has been classified as Pathogenic. This premature translational stop signal has been observed in individual(s) with nephronophthisis (PMID: 24882706). This variant is not present in population databases (gnomAD no frequency). This sequence change creates a premature translational stop signal (p.Gln81*) in the CEP164 gene. It is expected to result in an absent or disrupted protein product. Loss-of-function variants in CEP164 are known to be pathogenic (PMID: 22863007, 28125082, 32367404, 34132027, 34499853).

Literature cited by the submitters: PubMed 24882706; PubMed 22863007; PubMed 28125082; PubMed 32367404; PubMed 34132027; PubMed 34499853.